The following is an entry in ClinVar:

NM_021076.4(NEFH):c.2103A>G (p.Glu701=)

Gene: NEFH (neurofilament heavy chain; plus strand). Cytogenetic location: 22q12.2.
Variant type: single nucleotide variant.
Coding change: c.2103A>G on transcript NM_021076.4 (MANE Select); coding-DNA position 2103, A replaced by G.
Protein change: p.Glu701=; no amino-acid change (glutamic acid 701 retained).
Molecular consequence: synonymous variant.
Genome position (GRCh38, 1-based): chr22:29,489,743, A>G. VCF-style: chr22-29489743-A-G. GRCh37 (hg19) VCF-style: chr22-29885732-A-G.
Identifiers: ClinVar variation 2672904 (VCV002672904.23), dbSNP rs2063067863, ClinGen allele CA514338947.

ClinVar aggregate classification (germline): Likely benign (1 of 4 stars; one submission).

Submission:

CeGaT Center for Human Genetics Tuebingen
Classification: Likely benign. Last evaluated: 2023-11-01. Review status: criteria provided, single submitter. Criteria: CeGaT Center For Human Genetics Tuebingen Variant Classification Criteria Version 2. Collection method: clinical testing. Allele origin: germline. Affected: yes. Observed: 1 variant allele.
Comment: NEFH: PM2:Supporting, BP4, BP7